The following is an entry in ClinVar:

NM_004329.3(BMPR1A):c.182G>A (p.Cys61Tyr)

Gene: BMPR1A (bone morphogenetic protein receptor type 1A; plus strand). Cytogenetic location: 10q23.2.
Variant type: single nucleotide variant.
Coding change: c.182G>A on transcript NM_004329.3 (MANE Select); coding-DNA position 182, G replaced by A.
Protein change: p.Cys61Tyr; replaces cysteine 61 with tyrosine.
Molecular consequence: missense variant.
Genome position (GRCh38, 1-based): chr10:86,890,176, G>A. VCF-style: chr10-86890176-G-A. GRCh37 (hg19) VCF-style: chr10-88649933-G-A.
Other names: c.182G>A, p.Cys61Tyr (NM_001406559.1, NM_001406560.1, NM_001406561.1 and 23 more transcripts); c.98G>A, p.Cys33Tyr (NM_001406584.1, NM_001406585.1, NM_001406586.1 and 2 more transcripts); short protein forms C61Y, C33Y.
Identifiers: ClinVar variation 2098617 (VCV002098617.4), dbSNP rs2539432382, ClinGen allele CA377446980.
Genomic context (GRCh38, chr10:86,890,176, plus strand): 5'-AGAAAAAGTCAGAAAATGGAGTAACCTTAGCACCAGAGGATACCTTGCCTTTTTTAAAGT[G>A]CTATTGCTCAGGGCACTGTCCAGATGATGCTATTAATAACACATGCATGTAAGTATTTTA-3'
Protein context (NP_004320.2, residues 51-71): APEDTLPFLK[Cys61Tyr]YCSGHCPDDA

ClinVar aggregate classification (germline): Uncertain significance (1 of 4 stars; one submission).

Conditions:
Juvenile polyposis syndrome (JPS). Identifiers: Orphanet 2929, MedGen C0345893, MONDO:0017380, OMIM 174900.

Allele frequency attached by ClinVar (database versions not stated): gnomAD exomes below 0.00001.
gnomAD v4.1: 1 of 1,614,130 alleles (0.000062%); highest among the groups gnomAD compares: Non-Finnish European, 0.000085%; no homozygotes.

Submission:

Labcorp Genetics (formerly Invitae), Labcorp
Classification: Uncertain significance for Juvenile polyposis syndrome. Last evaluated: 2025-01-19. Review status: criteria provided, single submitter. Criteria: Invitae Variant Classification Sherloc (09022015). Collection method: clinical testing. Allele origin: germline.
Comment: This sequence change replaces cysteine, which is neutral and slightly polar, with tyrosine, which is neutral and polar, at codon 61 of the BMPR1A protein (p.Cys61Tyr). This variant is not present in population databases (gnomAD no frequency). This missense change has been observed in individual(s) with juvenile polyposis syndrome (PMID: 33097490). ClinVar contains an entry for this variant (Variation ID: 2098617). Invitae Evidence Modeling of protein sequence and biophysical properties (such as structural, functional, and spatial information, amino acid conservation, physicochemical variation, residue mobility, and thermodynamic stability) indicates that this missense variant is expected to disrupt BMPR1A protein function with a positive predictive value of 95%. In summary, the available evidence is currently insufficient to determine the role of this variant in disease. Therefore, it has been classified as a Variant of Uncertain Significance.

Literature cited by the submitters: PubMed 33097490.